The following is an entry in ClinVar:

ClinVar aggregate classification (germline): Uncertain significance (1 of 4 stars; one submission).

Conditions:
Primary ciliary dyskinesia. Also called: Ciliary dyskinesia. Identifiers: Orphanet 244, MedGen C0008780, MONDO:0016575, HP:0012265.

Allele frequency attached by ClinVar (database versions not stated): gnomAD exomes 0.00002.

Submission:

Ambry Genetics
Classification: Uncertain significance for Primary ciliary dyskinesia. Last evaluated: 2018-04-30. Review status: criteria provided, single submitter. Criteria: Ambry Variant Classification Scheme 2023. Collection method: clinical testing. Allele origin: germline.
Comment: The p.E146D variant (also known as c.438A>C), located in coding exon 6 of the DNAI1 gene, results from an A to C substitution at nucleotide position 438. The glutamic acid at codon 146 is replaced by aspartic acid, an amino acid with highly similar properties. This amino acid position is highly conserved in available vertebrate species. In addition, this alteration is predicted to be tolerated by in silico analysis. Since supporting evidence is limited at this time, the clinical significance of this variant remains unclear.

NM_012144.4(DNAI1):c.438A>C (p.Glu146Asp)

Gene: DNAI1 (dynein axonemal intermediate chain 1; plus strand). Cytogenetic location: 9p13.3.
Variant type: single nucleotide variant.
Coding change: c.438A>C on transcript NM_012144.4 (MANE Select); coding-DNA position 438, A replaced by C.
Protein change: p.Glu146Asp; replaces glutamic acid 146 with aspartic acid.
Molecular consequence: missense variant.
Genome position (GRCh38, 1-based): chr9:34,490,061, A>C. VCF-style: chr9-34490061-A-C. GRCh37 (hg19) VCF-style: chr9-34490059-A-C.
Other names: c.450A>C, p.Glu150Asp (NM_001281428.2); short protein forms E146D, E150D.
Identifiers: ClinVar variation 1740193 (VCV001740193.2), dbSNP rs1490899457, ClinGen allele CA373245888.
Genomic context (GRCh38, chr9:34,490,061, plus strand): 5'-ATCCTACCAAGGTTCTCAGGAGTCTGTCAAGGTGATTTCAGAAACAGGAAACCTCGAAGA[A>C]GACGAAGAGCCCAAGGAGTTAGAAACTGAGCCTGGGAGTCAAACAGATGTGCCTGCAGCT-3'
Protein context (NP_036276.1, residues 136-156): KVISETGNLE[Glu146Asp]DEEPKELETE